The following is an entry in ClinVar:

NM_182961.4(SYNE1):c.15461C>G (p.Ser5154Cys)

Gene: SYNE1 (spectrin repeat containing nuclear envelope protein 1; minus strand). Cytogenetic location: 6q25.2.
Variant type: single nucleotide variant.
Coding change: c.15461C>G on transcript NM_182961.4 (MANE Select); coding-DNA position 15461, C replaced by G.
Protein change: p.Ser5154Cys; replaces serine 5154 with cysteine.
Molecular consequence: missense variant.
Genome position (GRCh38, 1-based): chr6:152,325,280, G>C on the plus strand (C>G on the coding strand, the complement: SYNE1 is on the minus strand). VCF-style: chr6-152325280-G-C. GRCh37 (hg19) VCF-style: chr6-152646415-G-C.
Other names: c.15248C>G, p.Ser5083Cys (NM_033071.5); short protein forms S5083C, S5154C.
Identifiers: ClinVar variation 1302211 (VCV001302211.2), dbSNP rs2153949677, ClinGen allele CA366091373.

ClinVar aggregate classification (germline): Uncertain significance (1 of 4 stars; one submission).

Submission:

GeneDx
Classification: Uncertain significance. Last evaluated: 2019-05-20. Review status: criteria provided, single submitter. Criteria: GeneDx Variant Classification Process June 2021. Collection method: clinical testing. Allele origin: germline. Affected: yes.
Comment: Has not been previously published as pathogenic or benign to our knowledge; Not observed in large population cohorts (Lek et al., 2016); In silico analysis, which includes protein predictors and evolutionary conservation, supports a deleterious effect